The following is an entry in ClinVar:

NM_001109977.3(FHIP1A):c.1284A>G (p.Arg428=)

Gene: FHIP1A (FHF complex subunit HOOK interacting protein 1A; plus strand). Cytogenetic location: 4q31.3.
Variant type: single nucleotide variant.
Coding change: c.1284A>G on transcript NM_001109977.3 (MANE Select); coding-DNA position 1284, A replaced by G.
Protein change: p.Arg428=; no amino-acid change (arginine 428 retained).
Molecular consequence: synonymous variant.
Genome position (GRCh38, 1-based): chr4:151,646,615, A>G. VCF-style: chr4-151646615-A-G. GRCh37 (hg19) VCF-style: chr4-152567767-A-G.
Other names: c.1284A>G, p.Arg428= (NM_001348694.2).
Identifiers: ClinVar variation 2655126 (VCV002655126.24), dbSNP rs370765283, ClinGen allele CA3105344.

ClinVar aggregate classification (germline): Likely benign (1 of 4 stars; one submission).

Allele frequency attached by ClinVar (database versions not stated): gnomAD 0.00050; TOPMed 0.00051; gnomAD exomes 0.00090; ExAC 0.00101; ESP Exome Variant Server 0.00131.
gnomAD v4.1: 1,314 of 1,551,450 alleles (0.085%); highest among the groups gnomAD compares: Non-Finnish European, 0.11%; 1 homozygote.

Submission:

CeGaT Center for Human Genetics Tuebingen
Classification: Likely benign. Last evaluated: 2023-03-01. Review status: criteria provided, single submitter. Criteria: CeGaT Center For Human Genetics Tuebingen Variant Classification Criteria Version 2. Collection method: clinical testing. Allele origin: germline. Affected: yes. Observed: 1 variant allele.
Comment: FHIP1A: BP4, BP7